The following is an entry in ClinVar:

ClinVar aggregate classification (germline): Uncertain significance. Review status: criteria provided, multiple submitters, no conflicts (2 of 4 stars). 2 submissions from 2 submitters: Uncertain significance (2). Last evaluated 2022-12-13.

Conditions:
Hereditary cancer-predisposing syndrome. Also called: Neoplastic Syndromes, Hereditary; Tumor predisposition; Hereditary Cancer Syndrome; Hereditary neoplastic syndrome. Identifiers: Orphanet 140162, MedGen C0027672, MeSH D009386, MONDO:0015356.

gnomAD v4.1: 2 of 1,583,280 alleles (0.00013%); highest among the groups gnomAD compares: Non-Finnish European, 0.00017%; no homozygotes.

Submissions (2):

Color Diagnostics, LLC DBA Color Health
Classification: Uncertain significance for Hereditary cancer-predisposing syndrome. Last evaluated: 2022-12-13. Review status: criteria provided, single submitter. Criteria: ACMG Guidelines, 2015. Collection method: clinical testing. Allele origin: germline.
Comment: This missense variant replaces alanine with serine at codon 1016 of the MSH6 protein. Computational prediction suggests that this variant may not impact protein structure and function (internally defined REVEL score threshold <= 0.5, PMID: 27666373). To our knowledge, functional studies have not been reported for this variant. This variant has not been reported in individuals affected with MSH6-related disorders in the literature. This variant has not been identified in the general population by the Genome Aggregation Database (gnomAD). The available evidence is insufficient to determine the role of this variant in disease conclusively. Therefore, this variant is classified as a Variant of Uncertain Significance.

Ambry Genetics
Classification: Uncertain significance for Hereditary cancer-predisposing syndrome. Last evaluated: 2022-01-08. Review status: criteria provided, single submitter. Criteria: Ambry Variant Classification Scheme 2023. Collection method: clinical testing. Allele origin: germline.
Comment: The p.A1016S variant (also known as c.3046G>T), located in coding exon 4 of the MSH6 gene, results from a G to T substitution at nucleotide position 3046. The alanine at codon 1016 is replaced by serine, an amino acid with similar properties. This amino acid position is conserved. In addition, this alteration is predicted to be tolerated by in silico analysis. Since supporting evidence is limited at this time, the clinical significance of this alteration remains unclear.

NM_000179.3(MSH6):c.3046G>T (p.Ala1016Ser)

Gene: MSH6 (mutS homolog 6; plus strand). Cytogenetic location: 2p16.3.
Variant type: single nucleotide variant.
Coding change: c.3046G>T on transcript NM_000179.3 (MANE Select); coding-DNA position 3046, G replaced by T.
Protein change: p.Ala1016Ser; replaces alanine 1016 with serine.
Molecular consequence: missense variant.
Genome position (GRCh38, 1-based): chr2:47,801,029, G>T. VCF-style: chr2-47801029-G-T. GRCh37 (hg19) VCF-style: chr2-48028168-G-T.
Other names: c.2656G>T, p.Ala886Ser (NM_001281492.2); c.2140G>T, p.Ala714Ser (NM_001281493.2, NM_001281494.2, NM_001406811.1 and 6 more transcripts); c.3142G>T, p.Ala1048Ser (NM_001406795.1, NM_001406802.1); c.3046G>T, p.Ala1016Ser (NM_001406796.1, NM_001406798.1, NM_001406800.1 and 2 more transcripts); c.2749G>T, p.Ala917Ser (NM_001406797.1, NM_001406801.1, NM_001406805.1 and 10 more transcripts); c.2521G>T, p.Ala841Ser (NM_001406799.1, NM_001406806.1, NM_001406807.1); c.2968G>T, p.Ala990Ser (NM_001406804.1); c.3052G>T, p.Ala1018Ser (NM_001406813.1); and 2 more; short protein forms A990S, A1048S, A841S, A886S, A960S, A1016S, A1018S, A331S.
Identifiers: ClinVar variation 1799198 (VCV001799198.4), dbSNP rs1553414421, ClinGen allele CA346756495.
Genomic context (GRCh38, chr2:47,801,029, plus strand): 5'-TTGAAATCTACCAAGAAGGGCTGTAAACGATACTGGACCAAAACTATTGAAAAGAAGTTG[G>T]CTAATCTCATAAATGCTGAAGAACGGAGGGATGTATCATTGAAGGACTGCATGCGGCGAC-3'
Protein context (NP_000170.1, residues 1006-1026): YWTKTIEKKL[Ala1016Ser]NLINAEERRD